The following is an entry in ClinVar:

NM_019032.6(ADAMTSL4):c.2235C>G (p.His745Gln)

Gene: ADAMTSL4 (ADAMTS like 4; plus strand). Cytogenetic location: 1q21.2.
Variant type: single nucleotide variant.
Coding change: c.2235C>G on transcript NM_019032.6 (MANE Select); coding-DNA position 2235, C replaced by G.
Protein change: p.His745Gln; replaces histidine 745 with glutamine.
Molecular consequence: missense variant.
Genome position (GRCh38, 1-based): chr1:150,558,002, C>G. VCF-style: chr1-150558002-C-G. GRCh37 (hg19) VCF-style: chr1-150530478-C-G.
Other names: c.2118C>G, p.His706Gln (NM_001288607.2); c.2304C>G, p.His768Gln (NM_001288608.2); c.2235C>G, p.His745Gln (NM_001378596.1, NM_025008.5); short protein forms H706Q, H745Q, H768Q.
Identifiers: ClinVar variation 1948458 (VCV001948458.2), dbSNP rs2526752428, ClinGen allele CA342314712.

ClinVar aggregate classification (germline): Uncertain significance (1 of 4 stars; one submission).

gnomAD v4.1: 3 of 1,612,248 alleles (0.00019%); highest among the groups gnomAD compares: Middle Eastern, 0.034%; no homozygotes.

Submission:

Labcorp Genetics (formerly Invitae), Labcorp
Classification: Uncertain significance. Last evaluated: 2022-07-25. Review status: criteria provided, single submitter. Criteria: Invitae Variant Classification Sherloc (09022015). Collection method: clinical testing. Allele origin: germline.
Comment: This sequence change replaces histidine, which is basic and polar, with glutamine, which is neutral and polar, at codon 745 of the ADAMTSL4 protein (p.His745Gln). This variant is not present in population databases (gnomAD no frequency). This variant has not been reported in the literature in individuals affected with ADAMTSL4-related conditions. Algorithms developed to predict the effect of missense changes on protein structure and function output the following: SIFT: "Deleterious"; PolyPhen-2: "Benign"; Align-GVGD: "Class C15". The glutamine amino acid residue is found in multiple mammalian species, which suggests that this missense change does not adversely affect protein function. In summary, the available evidence is currently insufficient to determine the role of this variant in disease. Therefore, it has been classified as a Variant of Uncertain Significance.